The following is an entry in ClinVar:

NM_000075.4(CDK4):c.759G>C (p.Gly253=)

Genes: TSPAN31 (tetraspanin 31; plus strand), CDK4 (cyclin dependent kinase 4; minus strand). Cytogenetic location: 12q14.1.
Variant type: single nucleotide variant.
Coding change: c.759G>C on transcript NM_000075.4 (MANE Select); coding-DNA position 759, G replaced by C.
Protein change: p.Gly253=; no amino-acid change (glycine 253 retained).
Molecular consequence: synonymous variant. On other transcripts: 3 prime UTR variant (3).
Genome position (GRCh38, 1-based): chr12:57,749,242, C>G on the plus strand (G>C on the coding strand, the complement: CDK4 is on the minus strand). VCF-style: chr12-57749242-C-G. GRCh37 (hg19) VCF-style: chr12-58143025-C-G.
Other names: c.*1952C>G (NM_001330168.2, NM_001330169.2, NM_005981.5).
Identifiers: ClinVar variation 1759704 (VCV001759704.6), dbSNP rs2140382832, ClinGen allele CA480300076.

ClinVar aggregate classification (germline): Benign/Likely benign. Review status: criteria provided, multiple submitters, no conflicts (2 of 4 stars). 3 submissions from 3 submitters: Benign (1); Likely benign (2). Last evaluated 2025-03-05.

Conditions:
Familial melanoma. Also called: Hereditary melanoma; Hereditary cutaneous melanoma. Identifiers: Orphanet 618, MedGen C1512419, MONDO:0018961.
Hereditary cancer-predisposing syndrome. Also called: Neoplastic Syndromes, Hereditary; Tumor predisposition; Hereditary Cancer Syndrome; Hereditary neoplastic syndrome. Identifiers: Orphanet 140162, MedGen C0027672, MeSH D009386, MONDO:0015356.
Melanoma, cutaneous malignant, susceptibility to, 3. Also called: Cutaneous malignant melanoma 3. Identifiers: Orphanet 618, MedGen C1836892, MONDO:0012183, OMIM 609048.

Submissions (3):

Labcorp Genetics (formerly Invitae), Labcorp
Classification: Likely benign for Familial melanoma. Last evaluated: 2025-03-05. Review status: criteria provided, single submitter. Criteria: Invitae Variant Classification Sherloc (09022015). Collection method: clinical testing. Allele origin: germline.

Myriad Genetics, Inc.
Classification: Benign for Melanoma, cutaneous malignant, susceptibility to, 3. Last evaluated: 2024-09-26. Review status: criteria provided, single submitter. Criteria: Myriad Autosomal Dominant, Autosomal Recessive and X-Linked Classification Criteria (2023). Collection method: clinical testing. Allele origin: unknown.
Comment: This variant is considered benign. This variant is a silent/synonymous amino acid change and it is not expected to impact splicing.

Ambry Genetics
Classification: Likely benign for Hereditary cancer-predisposing syndrome. Last evaluated: 2022-05-21. Review status: criteria provided, single submitter. Criteria: Ambry Variant Classification Scheme 2023. Collection method: clinical testing. Allele origin: germline.